The following is an entry in ClinVar:

NM_000270.4(PNP):c.688C>A (p.His230Asn)

Gene: PNP (purine nucleoside phosphorylase; plus strand). Cytogenetic location: 14q11.2.
Variant type: single nucleotide variant.
Coding change: c.688C>A on transcript NM_000270.4 (MANE Select); coding-DNA position 688, C replaced by A.
Protein change: p.His230Asn; replaces histidine 230 with asparagine.
Molecular consequence: missense variant.
Genome position (GRCh38, 1-based): chr14:20,476,419, C>A. VCF-style: chr14-20476419-C-A. GRCh37 (hg19) VCF-style: chr14-20944578-C-A.
Other names: short protein forms H230N.
Identifiers: ClinVar variation 1495539 (VCV001495539.5), dbSNP rs1882113667, ClinGen allele CA389145940.

ClinVar aggregate classification (germline): Uncertain significance (1 of 4 stars; one submission).

Conditions:
Purine-nucleoside phosphorylase deficiency. Also called: NUCLEOSIDE PHOSPHORYLASE DEFICIENCY; Immunodeficiency due to purine nucleoside phosphorylase deficiency. Identifiers: Orphanet 760, MedGen C0268125, MONDO:0013171, OMIM 613179.

Allele frequency attached by ClinVar (database versions not stated): TOPMed below 0.00001.
gnomAD v4.1: 1 of 1,614,148 alleles (0.000062%); no homozygotes.

Submission:

Labcorp Genetics (formerly Invitae), Labcorp
Classification: Uncertain significance for Purine-nucleoside phosphorylase deficiency. Last evaluated: 2022-02-10. Review status: criteria provided, single submitter. Criteria: Invitae Variant Classification Sherloc (09022015). Collection method: clinical testing. Allele origin: germline.
Comment: This sequence change replaces histidine, which is basic and polar, with asparagine, which is neutral and polar, at codon 230 of the PNP protein (p.His230Asn). This variant is not present in population databases (gnomAD no frequency). This variant has not been reported in the literature in individuals affected with PNP-related conditions. Algorithms developed to predict the effect of missense changes on protein structure and function are either unavailable or do not agree on the potential impact of this missense change (SIFT: "Deleterious"; PolyPhen-2: "Probably Damaging"; Align-GVGD: "Class C0"). In summary, the available evidence is currently insufficient to determine the role of this variant in disease. Therefore, it has been classified as a Variant of Uncertain Significance.